The following is an entry in ClinVar:

ClinVar aggregate classification (germline): Uncertain significance (1 of 4 stars; one submission).

Submission:

Women's Health and Genetics/Laboratory Corporation of America, LabCorp
Classification: Uncertain significance. Last evaluated: 2024-04-22. Review status: criteria provided, single submitter. Criteria: LabCorp Variant Classification Summary - May 2015. Collection method: clinical testing. Allele origin: germline.
Comment: Variant summary: GFPT1 c.14T>A (p.Phe5Tyr) results in a conservative amino acid change located in the Glutamine amidotransferase type 2 domain profile (IPR035466) of the encoded protein sequence. Four of five in-silico tools predict a damaging effect of the variant on protein function. The variant was absent in 249390 control chromosomes. The available data on variant occurrences in the general population are insufficient to allow any conclusion about variant significance. c.14T>A has been reported in the literature in at least one compound heterozygous individual affected with limb-girdle congenital myasthenic syndrome (e.g. Ma_2021). This report does not provide sufficient evidence to allow any conclusion about association of the variant with Congenital Myasthenic Syndrome. To our knowledge, no experimental evidence demonstrating an impact on protein function has been reported. The following publication has been ascertained in the context of this evaluation (PMID: 33438142). No submitters have cited clinical-significance assessments for this variant to ClinVar. Based on the evidence outlined above, the variant was classified as uncertain significance.

Literature cited by the submitters: PubMed 33438142.

NM_001244710.2(GFPT1):c.14T>A (p.Phe5Tyr)

Gene: GFPT1 (glutamine--fructose-6-phosphate transaminase 1; minus strand). Cytogenetic location: 2p13.3.
Variant type: single nucleotide variant.
Coding change: c.14T>A on transcript NM_001244710.2 (MANE Select); coding-DNA position 14, T replaced by A.
Protein change: p.Phe5Tyr; replaces phenylalanine 5 with tyrosine.
Molecular consequence: missense variant.
Genome position (GRCh38, 1-based): chr2:69,374,107, A>T on the plus strand (T>A on the coding strand, the complement: GFPT1 is on the minus strand). VCF-style: chr2-69374107-A-T. GRCh37 (hg19) VCF-style: chr2-69601239-A-T.
Other names: c.14T>A, p.Phe5Tyr (NM_002056.4); short protein forms F5Y.
Identifiers: ClinVar variation 3251824 (VCV003251824.1), dbSNP rs2466169960.